The following is an entry in ClinVar:

NM_000138.5(FBN1):c.2779_2784del (p.Val927_Asn928del)

Gene: FBN1 (fibrillin 1; minus strand). Cytogenetic location: 15q21.1.
Variant type: Deletion.
Coding change: c.2779_2784del on transcript NM_000138.5 (MANE Select); coding-DNA positions 2779 to 2784, 6 bases deleted (GTTAAC; older notation c.2779_2784delGTTAAC).
Protein change: p.Val927_Asn928del.
Genome position (GRCh38, 1-based): chr15:48,492,531-48,492,536, GTTAAC deleted on the plus strand (GTTAAC on the coding strand, the reverse complement: FBN1 is on the minus strand). VCF-style (leftmost placement, unchanged base first): chr15-48492530-TGTTAAC-T. GRCh37 (hg19) VCF-style: chr15-48784727-TGTTAAC-T.
Other names: c.2779_2784del, p.Val927_Asn928del (NM_001406716.1).
Identifiers: ClinVar variation 4786842 (VCV004786842.1).
Genomic context (GRCh38, chr15:48,492,530, plus strand): 5'-TCCTTCCTGTGGCATCCAAAGTCATTCCACTGGGACACTGACACTTGAATGACCCCCTAG[TGTTAAC>T]ACACAGGCCATTTTTACACACTCCTGGGAACACTTCACATTCATCTATATCTAAAAAGAA-3'

ClinVar aggregate classification (germline): Uncertain significance (1 of 4 stars; one submission).

Conditions:
Marfan syndrome (MFS). Also called: FBN1-Related Marfan Syndrome; MARFAN SYNDROME, TYPE I; Marfan syndrome type 1; Marfan's syndrome; Marfan syndrome, classic. Identifiers: Orphanet 284963, Orphanet 558, MedGen C0024796, MONDO:0007947, OMIM 154700.
Familial thoracic aortic aneurysm and aortic dissection (TAAD). Also called: Thoracic aortic aneurysms and dissections. Identifiers: Orphanet 91387, MedGen C4707243, MONDO:0019625.

Submission:

Labcorp Genetics (formerly Invitae), Labcorp
Classification: Uncertain significance for Marfan syndrome; Familial thoracic aortic aneurysm and aortic dissection. Last evaluated: 2025-11-27. Review status: criteria provided, single submitter. Criteria: Invitae Variant Classification Sherloc (09022015). Collection method: clinical testing. Allele origin: germline.
Comment: This variant, c.2779_2784del, results in the deletion of 2 amino acid(s) of the FBN1 protein (p.Val927_Asn928del), but otherwise preserves the integrity of the reading frame. This variant is not present in population databases (gnomAD no frequency). This variant has not been reported in the literature in individuals affected with FBN1-related conditions. Experimental studies and prediction algorithms are not available or were not evaluated, and the functional significance of this variant is currently unknown. In summary, the available evidence is currently insufficient to determine the role of this variant in disease. Therefore, it has been classified as a Variant of Uncertain Significance.